The following is an entry in ClinVar:

ClinVar aggregate classification (germline): Uncertain significance (1 of 4 stars; one submission).

Conditions:
Marfan syndrome (MFS). Also called: MARFAN SYNDROME, TYPE I; Marfan syndrome type 1; Marfan's syndrome; Marfan syndrome, classic; FBN1-Related Marfan Syndrome. Identifiers: Orphanet 284963, Orphanet 558, MedGen C0024796, MONDO:0007947, OMIM 154700.
Familial thoracic aortic aneurysm and aortic dissection (TAAD). Also called: Thoracic aortic aneurysms and dissections. Identifiers: Orphanet 91387, MedGen C4707243, MONDO:0019625.

Submission:

Labcorp Genetics (formerly Invitae), Labcorp
Classification: Uncertain significance for Marfan syndrome; Familial thoracic aortic aneurysm and aortic dissection. Last evaluated: 2025-01-12. Review status: criteria provided, single submitter. Criteria: Invitae Variant Classification Sherloc (09022015). Collection method: clinical testing. Allele origin: germline.
Comment: This sequence change replaces glutamine, which is neutral and polar, with histidine, which is basic and polar, at codon 514 of the FBN1 protein (p.Gln514His). This variant is not present in population databases (gnomAD no frequency). This missense change has been observed in individual(s) with thoracic aortic aneurysm and dissection (internal data). Invitae Evidence Modeling of protein sequence and biophysical properties (such as structural, functional, and spatial information, amino acid conservation, physicochemical variation, residue mobility, and thermodynamic stability) indicates that this missense variant is not expected to disrupt FBN1 protein function with a negative predictive value of 95%. In summary, the available evidence is currently insufficient to determine the role of this variant in disease. Therefore, it has been classified as a Variant of Uncertain Significance.

NM_000138.5(FBN1):c.1542G>C (p.Gln514His)

Gene: FBN1 (fibrillin 1; minus strand). Cytogenetic location: 15q21.1.
Variant type: single nucleotide variant.
Coding change: c.1542G>C on transcript NM_000138.5 (MANE Select); coding-DNA position 1542, G replaced by C.
Protein change: p.Gln514His; replaces glutamine 514 with histidine.
Molecular consequence: missense variant.
Genome position (GRCh38, 1-based): chr15:48,513,595, C>G on the plus strand (G>C on the coding strand, the complement: FBN1 is on the minus strand). VCF-style: chr15-48513595-C-G. GRCh37 (hg19) VCF-style: chr15-48805792-C-G.
Other names: c.1542G>C, p.Gln514His (NM_001406716.1); short protein forms Q514H.
Identifiers: ClinVar variation 3758241 (VCV003758241.2).